The following is an entry in ClinVar:

NM_001033855.3(DCLRE1C):c.728A>G (p.His243Arg)

Gene: DCLRE1C (DNA cross-link repair 1C; minus strand). Cytogenetic location: 10p13.
Variant type: single nucleotide variant.
Coding change: c.728A>G on transcript NM_001033855.3 (MANE Select); coding-DNA position 728, A replaced by G.
Protein change: p.His243Arg; replaces histidine 243 with arginine.
Molecular consequence: missense variant. On other transcripts: non-coding transcript variant (4).
Genome position (GRCh38, 1-based): chr10:14,932,906, T>C on the plus strand (A>G on the coding strand, the complement: DCLRE1C is on the minus strand). VCF-style: chr10-14932906-T-C. GRCh37 (hg19) VCF-style: chr10-14974905-T-C.
Other names: NM_001033855.3(DCLRE1C):c.728A>G; c.368A>G, p.His123Arg (NM_001033857.3, NM_001033858.3, NM_001289077.2 and 2 more transcripts); c.383A>G, p.His128Arg (NM_001289076.2, NM_001289078.2, NM_001350966.2 and 1 more transcripts); c.728A>G, p.His243Arg (NM_001350965.2); short protein forms H243R, H123R, H128R.
Identifiers: ClinVar variation 257180 (VCV000257180.25), dbSNP rs12768894, ClinGen allele CA5416704.
Genomic context (GRCh38, chr10:14,932,906, plus strand): 5'-ACACGTACCTTGGGATGCCGGCATGCATGGATCTGAGTGTTGCGGTCTGTTGTGAGATGA[T>C]GAAGGATCTCAGGCATGTTCCTAAACATGTCTAGCTTATTCACATGAACCTAAGGCAAAT-3'
Protein context (NP_001029027.1, residues 233-253): DMFRNMPEIL[His243Arg]HLTTDRNTQI

ClinVar aggregate classification (germline): Benign. Review status: reviewed by expert panel (3 of 4 stars). 11 submissions from 11 submitters: Benign (1). 10 of the submissions do not count toward it. Last evaluated 2024-01-23.

Conditions:
Histiocytic medullary reticulosis. Also called: SEVERE COMBINED IMMUNODEFICIENCY WITH HYPEREOSINOPHILIA; Omenn syndrome. Identifiers: Orphanet 39041, MedGen C2700553, MONDO:0011338, OMIM 603554.
Severe combined immunodeficiency due to DCLRE1C deficiency (RS-SCID). Also called: SCID, AUTOSOMAL RECESSIVE, T CELL-NEGATIVE, B CELL-NEGATIVE, NK CELL-POSITIVE, WITH SENSITIVITY TO IONIZING RADIATION. Identifiers: Orphanet 275, MedGen C1865371, MONDO:0011225, OMIM 602450.

Allele frequency attached by ClinVar (database versions not stated): gnomAD exomes 0.15874 and 0.16894; ExAC 0.15604; 1000 Genomes Project 0.12300; ESP Exome Variant Server 0.14263; TOPMed 0.14975; 1000 Genomes Project 30x 0.12383; gnomAD 0.14770 and 0.14773.
gnomAD v4.1: 268,934 of 1,613,284 alleles (17%); highest among the groups gnomAD compares: Admixed American, 22%; 23,214 homozygotes.

Submissions (11):

ClinGen Severe Combined Immunodeficiency Variant Curation Expert Panel, ClinGen
Classification: Benign for Severe combined immunodeficiency due to DCLRE1C deficiency. Last evaluated: 2024-01-23. Review status: reviewed by expert panel. Criteria: ClinGen SCID ACMG Specifications DCLRE1C V1.0.0. Collection method: curation. Allele origin: germline. Inheritance: Autosomal recessive inheritance.
Comment: The c.728A>G (NM_001033855.3) variant in DCLRE1C is a missense variant predicted to cause substitution of Histidine by Arginine at amino acid 243 (p.His243Arg). The filtering allele frequency (the lower threshold of the 95% CI of 13221/60002) of the c.728A>G variant in DCLRE1C is 0.2249 for Admixed American chromosomes by gnomAD v4, which is higher than the ClinGen SCID VCEP threshold (>0.00346) for BA1, and therefore meets this criterion (BA1). Additionally, 23214 adult homozygous have been reported (BS2_Supporting). In summary, this variant meets the criteria to be classified as Benign for autosomal recessive severe combined immunodeficiency due to DCLRE1C deficiency, based on the ACMG/AMP criteria applied, as specified by the ClinGen SCID VCEP. Criteria applied: BA1 and BS2_Supporting (VCEP specifications version 1).

Labcorp Genetics (formerly Invitae), Labcorp
Classification: Benign for Athabaskan severe combined immunodeficiency. Last evaluated: 2026-02-04. Review status: criteria provided, single submitter. Criteria: Invitae Variant Classification Sherloc (09022015). Collection method: clinical testing. Allele origin: germline. Not counted in ClinVar's aggregate classification.

Unidad de Genómica Garrahan, Hospital de Pediatría Garrahan
Classification: Benign. Last evaluated: 2024-01-24. Review status: criteria provided, single submitter. Criteria: ACMG Guidelines, 2015. Collection method: clinical testing. Allele origin: germline. Affected: no. Observed: 32 variant alleles. Not counted in ClinVar's aggregate classification.
Comment: This variant is classified as Benign based on local population frequency. This variant was detected in 36% of patients studied by a panel of primary immunodeficiencies. Number of patients: 32. Only high quality variants are reported.

Genome-Nilou Lab
Classification: Benign for Severe combined immunodeficiency due to DCLRE1C deficiency. Last evaluated: 2021-07-01. Review status: criteria provided, single submitter. Criteria: ACMG Guidelines, 2015. Collection method: clinical testing. Allele origin: germline. Affected: no. Not counted in ClinVar's aggregate classification.

Mayo Clinic Laboratories, Mayo Clinic
Classification: Benign. Last evaluated: 2018-04-19. Review status: criteria provided, single submitter. Criteria: ACMG Guidelines, 2015. Collection method: clinical testing. Allele origin: germline. Observed: 136 variant alleles. Not counted in ClinVar's aggregate classification.

Illumina Laboratory Services, Illumina
Classification: Benign for Histiocytic medullary reticulosis. Last evaluated: 2018-01-13. Review status: criteria provided, single submitter. Criteria: ICSL Variant Classification Criteria 13 December 2019. Collection method: clinical testing. Allele origin: germline. Not counted in ClinVar's aggregate classification.
Comment: This variant was observed in the ICSL laboratory as part of a predisposition screen in an ostensibly healthy population. It had not been previously curated by ICSL or reported in the Human Gene Mutation Database (HGMD: prior to June 1st, 2018), and was therefore a candidate for classification through an automated scoring system. Utilizing variant allele frequency, disease prevalence and penetrance estimates, and inheritance mode, an automated score was calculated to assess if this variant is too frequent to cause the disease. Based on the score and internal cut-off values, a variant classified as benign is not then subjected to further curation. The score for this variant resulted in a classification of benign for this disease.

Laboratory for Molecular Medicine, Mass General Brigham Personalized Medicine
Classification: Benign. Last evaluated: 2016-03-28. Review status: criteria provided, single submitter. Criteria: LMM Criteria. Collection method: clinical testing. Allele origin: germline. Not counted in ClinVar's aggregate classification.
Comment: Variant identified in a genome or exome case(s) and assessed due to predicted null impact of the variant or pathogenic assertions in the literature or databases. Disclaimer: This variant has not undergone full assessment. The following are preliminary notes: Frequency

GeneDx
Classification: Benign. Last evaluated: 2015-03-03. Review status: criteria provided, single submitter. Criteria: GeneDx Variant Classification Process June 2021. Collection method: clinical testing. Allele origin: germline. Affected: yes. Not counted in ClinVar's aggregate classification.

Breakthrough Genomics
Classification: Benign. Review status: criteria provided, single submitter. Criteria: ACMG Guidelines, 2015. Collection method: not provided. Allele origin: germline. Inheritance: Autosomal recessive inheritance. Affected: yes. Not counted in ClinVar's aggregate classification.

PreventionGenetics, part of Exact Sciences
Classification: Benign. Review status: criteria provided, single submitter. Criteria: ACMG Guidelines, 2015. Collection method: clinical testing. Allele origin: germline. Not counted in ClinVar's aggregate classification.

Natera, Inc.
Classification: Benign for Omenn syndrome. Last evaluated: 2020-09-16. Review status: no assertion criteria provided. Collection method: clinical testing. Allele origin: germline. Not counted in ClinVar's aggregate classification.